The following is an entry in ClinVar:

ClinVar aggregate classification (germline): Uncertain significance (1 of 4 stars; one submission).

Conditions:
Spastic paraplegia. Identifiers: MedGen C0037772, HP:0001258.

gnomAD v4.1: 1 of 1,614,138 alleles (0.000062%); highest among the groups gnomAD compares: Non-Finnish European, 0.000085%; no homozygotes.

Submission:

Labcorp Genetics (formerly Invitae), Labcorp
Classification: Uncertain significance for Spastic paraplegia. Last evaluated: 2025-05-30. Review status: criteria provided, single submitter. Criteria: Invitae Variant Classification Sherloc (09022015). Collection method: clinical testing. Allele origin: germline.
Comment: This sequence change replaces proline, which is neutral and non-polar, with alanine, which is neutral and non-polar, at codon 221 of the RTN2 protein (p.Pro221Ala). This variant is present in population databases (no rsID available, gnomAD 0.0009%). This variant has not been reported in the literature in individuals affected with RTN2-related conditions. An algorithm developed to predict the effect of missense changes on protein structure and function (PolyPhen-2) suggests that this variant is likely to be disruptive. In summary, the available evidence is currently insufficient to determine the role of this variant in disease. Therefore, it has been classified as a Variant of Uncertain Significance.

NM_005619.5(RTN2):c.661C>G (p.Pro221Ala)

Genes: OPA3-RTN2 (OPA3-RTN2 readthrough; minus strand), RTN2 (reticulon 2; minus strand). Cytogenetic location: 19q13.32.
Variant type: single nucleotide variant.
Coding change: c.661C>G on transcript NM_005619.5 (MANE Select); coding-DNA position 661, C replaced by G.
Protein change: p.Pro221Ala; replaces proline 221 with alanine.
Molecular consequence: missense variant.
Genome position (GRCh38, 1-based): chr19:45,494,319, G>C on the plus strand (C>G on the coding strand, the complement: RTN2 is on the minus strand). VCF-style: chr19-45494319-G-C. GRCh37 (hg19) VCF-style: chr19-45997577-G-C.
Other names: c.661C>G, p.Pro221Ala (NM_206900.3); short protein forms P221A.
Identifiers: ClinVar variation 4720296 (VCV004720296.1).
Genomic context (GRCh38, chr19:45,494,319, plus strand): 5'-TTTCTTCCTCTTCCAGCAATGGCTCTTCGGGCCCAGAGTTCGAATCTCGCGATCGGGATG[G>C]GGACGGAGTACCGGCCTGGGGTGTCCCAGAGCCCGGACTGAGCTGGGGAGTCAAGACCTC-3'
Protein context (NP_005610.1, residues 211-231): SGTPQAGTPS[Pro221Ala]SRSRDSNSGP